The following is an entry in ClinVar:

NM_138711.6(PPARG):c.428A>G (p.Tyr143Cys)

Gene: PPARG (peroxisome proliferator activated receptor gamma; plus strand). Cytogenetic location: 3p25.2.
Variant type: single nucleotide variant.
Coding change: c.428A>G on transcript NM_138711.6 (MANE Select); coding-DNA position 428, A replaced by G.
Protein change: p.Tyr143Cys; replaces tyrosine 143 with cysteine.
Molecular consequence: missense variant. On other transcripts: initiator codon variant (1).
Genome position (GRCh38, 1-based): chr3:12,392,651, A>G. VCF-style: chr3-12392651-A-G. GRCh37 (hg19) VCF-style: chr3-12434150-A-G.
Other names: c.1A>G (NM_001354669.1); c.428A>G, p.Tyr143Cys (NM_001330615.4, NM_001354666.3, NM_001354667.3 and 6 more transcripts); c.518A>G, p.Tyr173Cys (NM_001354668.2, NM_001374265.1, NM_015869.5); c.1A>G, p.Met1Val (NM_001354669.2); c.434A>G, p.Tyr145Cys (NM_001354670.2, NM_001374266.1); short protein forms Y145C, M1V, Y143C, Y173C.
Identifiers: ClinVar variation 1479536 (VCV001479536.9), dbSNP rs775382056, ClinGen allele CA2258199.

ClinVar aggregate classification (germline): Uncertain significance. Review status: criteria provided, multiple submitters, no conflicts (2 of 4 stars). 2 submissions from 2 submitters: Uncertain significance (2). Last evaluated 2025-06-22.

Conditions:
PPARG-related disorder. Also called: PPARG-related disorders; PPARG-related condition.

Allele frequency attached by ClinVar (database versions not stated): gnomAD exomes below 0.00001 and 0.00001; ExAC 0.00001; gnomAD 0.00001; TOPMed 0.00001.
gnomAD v4.1: 6 of 1,613,824 alleles (0.00037%); highest among the groups gnomAD compares: Admixed American, 0.0017%; no homozygotes.

Submissions (2):

Labcorp Genetics (formerly Invitae), Labcorp
Classification: Uncertain significance. Last evaluated: 2025-06-22. Review status: criteria provided, single submitter. Criteria: Invitae Variant Classification Sherloc (09022015). Collection method: clinical testing. Allele origin: germline.
Comment: This sequence change replaces tyrosine, which is neutral and polar, with cysteine, which is neutral and slightly polar, at codon 173 of the PPARG protein (p.Tyr173Cys). This variant is present in population databases (rs775382056, gnomAD 0.002%). This missense change has been observed in individual(s) with clinical features of PPARG-related conditions (PMID: 36325899, 36806620). ClinVar contains an entry for this variant (Variation ID: 1479536). Invitae Evidence Modeling of protein sequence and biophysical properties (such as structural, functional, and spatial information, amino acid conservation, physicochemical variation, residue mobility, and thermodynamic stability) indicates that this missense variant is expected to disrupt PPARG protein function with a positive predictive value of 95%. In summary, the available evidence is currently insufficient to determine the role of this variant in disease. Therefore, it has been classified as a Variant of Uncertain Significance.

PreventionGenetics, part of Exact Sciences
Classification: Uncertain significance for PPARG-related condition. Last evaluated: 2022-10-02. Review status: criteria provided, single submitter. Criteria: ACMG Guidelines, 2015. Collection method: clinical testing. Allele origin: germline.
Comment: The PPARG c.1A>G variant is predicted to disrupt the translation initiation site (Start loss). To our knowledge, this variant has not been reported in the literature, nor have any variants that disrupt the start codon in PPARG. This variant is reported in 0.00088% of alleles in individuals of European (Non-Finnish) descent in gnomAD. At this time, the clinical significance of this variant is uncertain due to the absence of conclusive functional and genetic evidence.

Literature cited by the submitters: PubMed 36325899 (cited by Labcorp Genetics (formerly Invitae), Labcorp); PubMed 36806620 (cited by Labcorp Genetics (formerly Invitae), Labcorp).